The following is an entry in ClinVar:

ClinVar aggregate classification (germline): Uncertain significance (1 of 4 stars; one submission).

Submission:

GeneDx
Classification: Uncertain significance. Last evaluated: 2024-08-30. Review status: criteria provided, single submitter. Criteria: GeneDx Variant Classification Process June 2021. Collection method: clinical testing. Allele origin: germline. Affected: yes.
Comment: Not observed at significant frequency in large population cohorts (gnomAD); Missense variants in this gene are a common cause of disease and they are underrepresented in the general population; In silico analysis indicates that this missense variant does not alter protein structure/function; Has not been previously published as pathogenic or benign to our knowledge

NM_006306.4(SMC1A):c.3094G>A (p.Glu1032Lys)

Gene: SMC1A (structural maintenance of chromosomes 1A; minus strand). Cytogenetic location: Xp11.22.
Variant type: single nucleotide variant.
Coding change: c.3094G>A on transcript NM_006306.4 (MANE Select); coding-DNA position 3094, G replaced by A.
Protein change: p.Glu1032Lys; replaces glutamic acid 1032 with lysine.
Molecular consequence: missense variant.
Genome position (GRCh38, 1-based): chrX:53,383,133, C>T on the plus strand (G>A on the coding strand, the complement: SMC1A is on the minus strand). VCF-style: chrX-53383133-C-T. GRCh37 (hg19) VCF-style: chrX-53410054-C-T.
Other names: c.3028G>A, p.Glu1010Lys (NM_001281463.1); short protein forms E1010K, E1032K.
Identifiers: ClinVar variation 3765976 (VCV003765976.1).